The following is an entry in ClinVar:

ClinVar aggregate classification (germline): Benign/Likely benign. Review status: criteria provided, multiple submitters, no conflicts (2 of 4 stars). 3 submissions from 3 submitters: Benign (1); Likely benign (2). Last evaluated 2026-02-03.

Conditions:
Hereditary cancer-predisposing syndrome. Also called: Neoplastic Syndromes, Hereditary; Hereditary Cancer Syndrome; Hereditary neoplastic syndrome; Tumor predisposition. Identifiers: Orphanet 140162, MedGen C0027672, MeSH D009386, MONDO:0015356.
Hereditary leiomyomatosis and renal cell cancer. Also called: MULTIPLE CUTANEOUS AND UTERINE LEIOMYOMATA 1, WITH OR WITHOUT RENAL CELL CARCINOMA; Familial leiomyomatosis; LEIOMYOMA, MULTIPLE CUTANEOUS; FH tumor predisposition syndrome; Multiple cutaneous leiomyomas; Reed syndrome. Identifiers: Orphanet 523, MedGen C1708350, MONDO:0007888, OMIM 150800, HP:0007437. Disease mechanism: loss of function.

Allele frequency attached by ClinVar (database versions not stated): gnomAD exomes below 0.00001; ExAC 0.00001; TOPMed 0.00001.

Submissions (3):

Labcorp Genetics (formerly Invitae), Labcorp
Classification: Likely benign. Last evaluated: 2026-02-03. Review status: criteria provided, single submitter. Criteria: Invitae Variant Classification Sherloc (09022015). Collection method: clinical testing. Allele origin: germline.

Myriad Genetics, Inc.
Classification: Benign for Hereditary leiomyomatosis and renal cell cancer. Last evaluated: 2024-10-17. Review status: criteria provided, single submitter. Criteria: Myriad Autosomal Dominant, Autosomal Recessive and X-Linked Classification Criteria (2023). Collection method: clinical testing. Allele origin: unknown.
Comment: This variant is considered benign. This variant is a silent/synonymous amino acid change and it is not expected to impact splicing.

Ambry Genetics
Classification: Likely benign for Hereditary cancer-predisposing syndrome. Last evaluated: 2017-12-07. Review status: criteria provided, single submitter. Criteria: Ambry Variant Classification Scheme 2023. Collection method: clinical testing. Allele origin: germline.

NM_000143.4(FH):c.288T>C (p.Phe96=)

Gene: FH (fumarate hydratase; minus strand). Cytogenetic location: 1q43.
Variant type: single nucleotide variant.
Coding change: c.288T>C on transcript NM_000143.4 (MANE Select); coding-DNA position 288, T replaced by C.
Protein change: p.Phe96=; no amino-acid change (phenylalanine 96 retained).
Molecular consequence: synonymous variant.
Genome position (GRCh38, 1-based): chr1:241,513,693, A>G on the plus strand (T>C on the coding strand, the complement: FH is on the minus strand). VCF-style: chr1-241513693-A-G. GRCh37 (hg19) VCF-style: chr1-241676993-A-G.
Identifiers: ClinVar variation 413612 (VCV000413612.15), dbSNP rs747348623, ClinGen allele CA1478717.